The following is an entry in ClinVar:

NM_172107.4(KCNQ2):c.796G>A (p.Asp266Asn)

Gene: KCNQ2 (potassium voltage-gated channel subfamily Q member 2; minus strand). Cytogenetic location: 20q13.33.
Variant type: single nucleotide variant.
Coding change: c.796G>A on transcript NM_172107.4 (MANE Select); coding-DNA position 796, G replaced by A.
Protein change: p.Asp266Asn; replaces aspartic acid 266 with asparagine.
Molecular consequence: missense variant.
Genome position (GRCh38, 1-based): chr20:63,442,426, C>T on the plus strand (G>A on the coding strand, the complement: KCNQ2 is on the minus strand). VCF-style: chr20-63442426-C-T. GRCh37 (hg19) VCF-style: chr20-62073779-C-T.
Other names: c.796G>A, p.Asp266Asn (NM_001382235.1, NM_004518.6, NM_172106.3 and 2 more transcripts); short protein forms D266N.
Identifiers: ClinVar variation 2808341 (VCV002808341.3), dbSNP rs2516446102, ClinGen allele CA409653392.

ClinVar aggregate classification (germline): Likely pathogenic (1 of 4 stars; one submission).

Conditions:
Early-infantile DEE. Also called: Early infantile epileptic encephalopathy; Early infantile epileptic encephalopathy with suppression bursts; Ohtahara syndrome. Identifiers: Orphanet 1934, MedGen C0393706, MONDO:0800491.

Submission:

Labcorp Genetics (formerly Invitae), Labcorp
Classification: Likely pathogenic for Early-infantile DEE. Last evaluated: 2025-10-29. Review status: criteria provided, single submitter. Criteria: Invitae Variant Classification Sherloc (09022015). Collection method: clinical testing. Allele origin: germline.
Comment: This sequence change replaces aspartic acid, which is acidic and polar, with asparagine, which is neutral and polar, at codon 266 of the KCNQ2 protein (p.Asp266Asn). This variant is not present in population databases (gnomAD no frequency). This variant has not been reported in the literature in individuals affected with KCNQ2-related conditions. ClinVar contains an entry for this variant (Variation ID: 2808341). Invitae Evidence Modeling of protein sequence and biophysical properties (such as structural, functional, and spatial information, amino acid conservation, physicochemical variation, residue mobility, and thermodynamic stability) indicates that this missense variant is expected to disrupt KCNQ2 protein function with a positive predictive value of 95%. This variant disrupts the p.Asp266 amino acid residue in KCNQ2. Other variant(s) that disrupt this residue have been determined to be pathogenic (internal data). This suggests that this residue is clinically significant, and that variants that disrupt this residue are likely to be disease-causing. In summary, the currently available evidence indicates that the variant is pathogenic, but additional data are needed to prove that conclusively. Therefore, this variant has been classified as Likely Pathogenic.